The following is an entry in ClinVar:

NM_001370259.2(MEN1):c.378G>A (p.Trp126Ter)

Gene: MEN1 (menin 1; minus strand). Cytogenetic location: 11q13.1.
Variant type: single nucleotide variant.
Coding change: c.378G>A on transcript NM_001370259.2 (MANE Select); coding-DNA position 378, G replaced by A.
Protein change: p.Trp126Ter; replaces tryptophan 126 with a stop codon.
Molecular consequence: nonsense.
Genome position (GRCh38, 1-based): chr11:64,809,732, C>T on the plus strand (G>A on the coding strand, the complement: MEN1 is on the minus strand). VCF-style: chr11-64809732-C-T. GRCh37 (hg19) VCF-style: chr11-64577204-C-T.
Other names: c.378G>A, p.Trp126Ter (NM_130802.3, NM_130803.3, NM_001370261.2 and 9 more transcripts); short protein forms W126*.
Identifiers: ClinVar variation 527240 (VCV000527240.9), dbSNP rs1555166365, ClinGen allele CA381187290.

ClinVar aggregate classification (germline): Pathogenic (1 of 4 stars; one submission).

Conditions:
Multiple endocrine neoplasia, type 1 (MEN1). Also called: MEN I; WERMER SYNDROME; Endocrine adenomatosis multiple; MEN 1; MEA I. Identifiers: Orphanet 652, MedGen C0025267, MeSH D018761, MONDO:0007540, OMIM 131100.

Submission:

Labcorp Genetics (formerly Invitae), Labcorp
Classification: Pathogenic for Multiple endocrine neoplasia, type 1. Last evaluated: 2018-11-20. Review status: criteria provided, single submitter. Criteria: Invitae Variant Classification Sherloc (09022015). Collection method: clinical testing. Allele origin: germline.
Comment: This sequence change creates a premature translational stop signal (p.Trp126*) in the MEN1 gene. It is expected to result in an absent or disrupted protein product. For these reasons, this variant has been classified as Pathogenic. Loss-of-function variants in MEN1 are known to be pathogenic (PMID: 12112656, 17853334). This variant has been reported in the literature in several individuals affected with multiple endocrine neoplasia 1 (MEN1) syndrome (PMID: 12652570, 25309785) and in individuals in the Universal Mutation Database (PMID: 12112656). This variant is not present in population databases (ExAC no frequency).

Literature cited by the submitters: PubMed 12112656; PubMed 17853334; PubMed 12652570; PubMed 25309785.